The following is an entry in ClinVar:

NM_000285.4(PEPD):c.1324C>T (p.Arg442Cys)

Gene: PEPD (peptidase D; minus strand). Cytogenetic location: 19q13.11.
Variant type: single nucleotide variant.
Coding change: c.1324C>T on transcript NM_000285.4 (MANE Select); coding-DNA position 1324, C replaced by T.
Protein change: p.Arg442Cys; replaces arginine 442 with cysteine.
Molecular consequence: missense variant.
Genome position (GRCh38, 1-based): chr19:33,387,910, G>A on the plus strand (C>T on the coding strand, the complement: PEPD is on the minus strand). VCF-style: chr19-33387910-G-A. GRCh37 (hg19) VCF-style: chr19-33878816-G-A.
Other names: c.1201C>T, p.Arg401Cys (NM_001166056.2); c.1132C>T, p.Arg378Cys (NM_001166057.2); short protein forms R378C, R401C, R442C.
Identifiers: ClinVar variation 889809 (VCV000889809.10), dbSNP rs537755422, ClinGen allele CA9363923.
Genomic context (GRCh38, chr19:33,387,910, plus strand): 5'-AGATGTTCTGGGAGCAAGAATGGGGCCCGTGGGCACTCACCCCGCCAAAACCGCGAAAGC[G>A]CTGCAGGACCTCGCGGTTAAGGAAGGAGGCGCGGGCCGGGTCCGCCAGGGCCTCATCCAG-3'
Protein context (NP_000276.2, residues 432-452): ASFLNREVLQ[Arg442Cys]FRGFGGVRIE

ClinVar aggregate classification (germline): Uncertain significance. Review status: criteria provided, multiple submitters, no conflicts (2 of 4 stars). 5 submissions from 5 submitters: Uncertain significance (5). Last evaluated 2025-08-11.

Conditions:
Inborn genetic diseases. Identifiers: MedGen C0950123, MeSH D030342.
Prolidase deficiency. Identifiers: Orphanet 742, MedGen C0268532, MONDO:0008221, OMIM 170100.

Allele frequency attached by ClinVar (database versions not stated): gnomAD 0.00002 and 0.00005; TOPMed 0.00006; gnomAD exomes 0.00008 and 0.00009; ExAC 0.00037; 1000 Genomes Project 30x 0.00047; 1000 Genomes Project 0.00060.
gnomAD v4.1: 125 of 1,581,470 alleles (0.0079%); highest among the groups gnomAD compares: South Asian, 0.12%; 1 homozygote.

Submissions (5):

Ambry Genetics
Classification: Uncertain significance for Inborn genetic diseases. Last evaluated: 2025-08-11. Review status: criteria provided, single submitter. Criteria: Ambry Variant Classification Scheme 2023. Collection method: clinical testing. Allele origin: germline.

Labcorp Genetics (formerly Invitae), Labcorp
Classification: Uncertain significance. Last evaluated: 2021-08-13. Review status: criteria provided, single submitter. Criteria: Invitae Variant Classification Sherloc (09022015). Collection method: clinical testing. Allele origin: germline.
Comment: This sequence change replaces arginine with cysteine at codon 442 of the PEPD protein (p.Arg442Cys). The arginine residue is highly conserved and there is a large physicochemical difference between arginine and cysteine. This variant is present in population databases (rs537755422, ExAC 0.1%). This variant has not been reported in the literature in individuals affected with PEPD-related conditions. ClinVar contains an entry for this variant (Variation ID: 889809). Algorithms developed to predict the effect of missense changes on protein structure and function (SIFT, PolyPhen-2, Align-GVGD) all suggest that this variant is likely to be disruptive. In summary, the available evidence is currently insufficient to determine the role of this variant in disease. Therefore, it has been classified as a Variant of Uncertain Significance.

New York Genome Center
Classification: Uncertain significance for Prolidase deficiency. Last evaluated: 2020-01-22. Review status: criteria provided, single submitter. Criteria: NYGC Assertion Criteria 2020. Collection method: clinical testing. Allele origin: inherited. Observed: 1 homozygote. Study: CSER-NYCKidSeq.

GeneDx
Classification: Uncertain significance. Last evaluated: 2019-04-19. Review status: criteria provided, single submitter. Criteria: GeneDx Variant Classification Process June 2021. Collection method: clinical testing. Allele origin: germline. Affected: yes.
Comment: Has not been previously published as pathogenic or benign to our knowledge; In silico analysis, which includes protein predictors and evolutionary conservation, supports a deleterious effect

Illumina Laboratory Services, Illumina
Classification: Uncertain significance for Prolidase deficiency. Last evaluated: 2018-01-13. Review status: criteria provided, single submitter. Criteria: ICSL Variant Classification Criteria 13 December 2019. Collection method: clinical testing. Allele origin: germline.